The following is an entry in ClinVar:

NM_001127644.2(GABRA1):c.198C>T (p.Thr66=)

Gene: GABRA1 (gamma-aminobutyric acid type A receptor subunit alpha1; plus strand). Cytogenetic location: 5q34.
Variant type: single nucleotide variant.
Coding change: c.198C>T on transcript NM_001127644.2 (MANE Select); coding-DNA position 198, C replaced by T.
Protein change: p.Thr66=; no amino-acid change (threonine 66 retained).
Molecular consequence: synonymous variant.
Genome position (GRCh38, 1-based): chr5:161,865,731, C>T. VCF-style: chr5-161865731-C-T. GRCh37 (hg19) VCF-style: chr5-161292737-C-T.
Other names: c.198C>T, p.Thr66= (NM_000806.5, NM_001127643.2, NM_001127645.2 and 1 more transcripts).
Identifiers: ClinVar variation 518109 (VCV000518109.13), dbSNP rs770208588, ClinGen allele CA3544366.

ClinVar aggregate classification (germline): Likely benign. Review status: criteria provided, multiple submitters, no conflicts (2 of 4 stars). 3 submissions from 3 submitters: Likely benign (3). Last evaluated 2026-02-01.

Conditions:
Epilepsy, idiopathic generalized, susceptibility to, 13. Also called: EPILEPSY, JUVENILE MYOCLONIC, SUSCEPTIBILITY TO, 5. Identifiers: Orphanet 307, Orphanet 64280, MedGen C4013473, MONDO:0012627, OMIM 611136.
Epilepsy, childhood absence 4 (ECA4). Also called: EPILEPSY, CHILDHOOD ABSENCE, SUSCEPTIBILITY TO, 4. Identifiers: Orphanet 307, MedGen C1970160.
Idiopathic generalized epilepsy. Also called: Generalised epilepsy; EIG. Identifiers: MedGen C0270850, MONDO:0005579, OMIM 600669.

Allele frequency attached by ClinVar (database versions not stated): gnomAD 0.00002; TOPMed 0.00005.

Submissions (3):

CeGaT Center for Human Genetics Tuebingen
Classification: Likely benign. Last evaluated: 2026-02-01. Review status: criteria provided, single submitter. Criteria: CeGaT Center For Human Genetics Tuebingen Variant Classification Criteria Version 2. Collection method: clinical testing. Allele origin: germline. Affected: yes. Observed: 1 variant allele.
Comment: GABRA1: BP4, BP7

Labcorp Genetics (formerly Invitae), Labcorp
Classification: Likely benign for Epilepsy, childhood absence 4; Epilepsy, idiopathic generalized, susceptibility to, 13; Idiopathic generalized epilepsy. Last evaluated: 2025-08-11. Review status: criteria provided, single submitter. Criteria: Invitae Variant Classification Sherloc (09022015). Collection method: clinical testing. Allele origin: germline.

GeneDx
Classification: Likely benign. Last evaluated: 2017-06-23. Review status: criteria provided, single submitter. Criteria: GeneDx Variant Classification (06012015). Collection method: clinical testing. Allele origin: germline. Affected: yes.
Comment: This variant is considered likely benign or benign based on one or more of the following criteria: it is a conservative change, it occurs at a poorly conserved position in the protein, it is predicted to be benign by multiple in silico algorithms, and/or has population frequency not consistent with disease.